The following is an entry in ClinVar:

NM_003079.5(SMARCE1):c.367A>G (p.Lys123Glu)

Gene: SMARCE1 (SWI/SNF related BAF chromatin remodeling complex subunit E1; minus strand). Cytogenetic location: 17q21.2.
Variant type: single nucleotide variant.
Coding change: c.367A>G on transcript NM_003079.5 (MANE Select); coding-DNA position 367, A replaced by G.
Protein change: p.Lys123Glu; replaces lysine 123 with glutamic acid.
Molecular consequence: missense variant.
Genome position (GRCh38, 1-based): chr17:40,636,397, T>C on the plus strand (A>G on the coding strand, the complement: SMARCE1 is on the minus strand). VCF-style: chr17-40636397-T-C. GRCh37 (hg19) VCF-style: chr17-38792649-T-C.
Other names: short protein forms K123E.
Identifiers: ClinVar variation 5029969 (VCV005029969.1).

ClinVar aggregate classification (germline): Uncertain significance (1 of 4 stars; one submission).

Conditions:
Hereditary cancer-predisposing syndrome. Also called: Neoplastic Syndromes, Hereditary; Tumor predisposition; Hereditary neoplastic syndrome; Hereditary Cancer Syndrome. Identifiers: Orphanet 140162, MedGen C0027672, MeSH D009386, MONDO:0015356.

Submission:

Ambry Genetics
Classification: Uncertain significance for Hereditary cancer-predisposing syndrome. Last evaluated: 2026-07-20. Review status: criteria provided, single submitter. Criteria: Ambry Variant Classification Scheme 2023. Collection method: clinical testing. Allele origin: germline.
Comment: The p.K123E variant (also known as c.367A>G), located in coding exon 5 of the SMARCE1 gene, results from an A to G substitution at nucleotide position 367. The lysine at codon 123 is replaced by glutamic acid, an amino acid with similar properties. This amino acid position is conserved. In addition, this alteration is predicted to be deleterious by in silico analysis. Based on the available evidence, the clinical significance of this variant remains unclear.